The following is an entry in ClinVar:

NM_004260.4(RECQL4):c.2974C>G (p.Leu992Val)

Gene: RECQL4 (RecQ like helicase 4; minus strand). Cytogenetic location: 8q24.3.
Variant type: single nucleotide variant.
Coding change: c.2974C>G on transcript NM_004260.4 (MANE Select); coding-DNA position 2974, C replaced by G.
Protein change: p.Leu992Val; replaces leucine 992 with valine.
Molecular consequence: missense variant.
Genome position (GRCh38, 1-based): chr8:144,512,473, G>C on the plus strand (C>G on the coding strand, the complement: RECQL4 is on the minus strand). VCF-style: chr8-144512473-G-C. GRCh37 (hg19) VCF-style: chr8-145737856-G-C.
Other names: short protein forms L992V.
Identifiers: ClinVar variation 573663 (VCV000573663.8), dbSNP rs1564790741, ClinGen allele CA372673031.

ClinVar aggregate classification (germline): Uncertain significance. Review status: criteria provided, multiple submitters, no conflicts (2 of 4 stars). 2 submissions from 2 submitters: Uncertain significance (2). Last evaluated 2025-11-16.

Conditions:
Baller-Gerold syndrome (BGS). Also called: CRANIOSYNOSTOSIS WITH RADIAL DEFECTS. Identifiers: Orphanet 1225, MedGen C0265308, MONDO:0009039, OMIM 218600.

gnomAD v4.1: 1 of 1,612,338 alleles (0.000062%); no homozygotes.

Submissions (2):

Labcorp Genetics (formerly Invitae), Labcorp
Classification: Uncertain significance for Baller-Gerold syndrome. Last evaluated: 2025-11-16. Review status: criteria provided, single submitter. Criteria: Invitae Variant Classification Sherloc (09022015). Collection method: clinical testing. Allele origin: germline.
Comment: This sequence change replaces leucine, which is neutral and non-polar, with valine, which is neutral and non-polar, at codon 992 of the RECQL4 protein (p.Leu992Val). This variant is not present in population databases (gnomAD no frequency). This variant has not been reported in the literature in individuals affected with RECQL4-related conditions. ClinVar contains an entry for this variant (Variation ID: 573663). Invitae Evidence Modeling of protein sequence and biophysical properties (such as structural, functional, and spatial information, amino acid conservation, physicochemical variation, residue mobility, and thermodynamic stability) indicates that this missense variant is not expected to disrupt RECQL4 protein function with a negative predictive value of 80%. In summary, the available evidence is currently insufficient to determine the role of this variant in disease. Therefore, it has been classified as a Variant of Uncertain Significance.

GeneDx
Classification: Uncertain significance. Last evaluated: 2024-03-25. Review status: criteria provided, single submitter. Criteria: GeneDx Variant Classification Process June 2021. Collection method: clinical testing. Allele origin: germline. Affected: yes.
Comment: Not observed at significant frequency in large population cohorts (gnomAD); In silico analysis supports that this missense variant does not alter protein structure/function; Has not been previously published as pathogenic or benign to our knowledge